The following is an entry in ClinVar:

NM_003640.5(ELP1):c.3357T>G (p.Asn1119Lys)

Gene: ELP1 (elongator acetyltransferase complex subunit 1; minus strand). Cytogenetic location: 9q31.3.
Variant type: single nucleotide variant.
Coding change: c.3357T>G on transcript NM_003640.5 (MANE Select); coding-DNA position 3357, T replaced by G.
Protein change: p.Asn1119Lys; replaces asparagine 1119 with lysine.
Molecular consequence: missense variant.
Genome position (GRCh38, 1-based): chr9:108,880,155, A>C on the plus strand (T>G on the coding strand, the complement: ELP1 is on the minus strand). VCF-style: chr9-108880155-A-C. GRCh37 (hg19) VCF-style: chr9-111642435-A-C.
Other names: c.3015T>G, p.Asn1005Lys (NM_001318360.2); c.2310T>G, p.Asn770Lys (NM_001330749.2); short protein forms N1119K, N1005K, N770K.
Identifiers: ClinVar variation 1966111 (VCV001966111.2), dbSNP rs2537859477, ClinGen allele CA374412619.

ClinVar aggregate classification (germline): Uncertain significance (1 of 4 stars; one submission).

Allele frequency attached by ClinVar (database versions not stated): gnomAD exomes below 0.00001.
gnomAD v4.1: 1 of 1,611,214 alleles (0.000062%); highest among the groups gnomAD compares: South Asian, 0.0011%; no homozygotes.

Submission:

Labcorp Genetics (formerly Invitae), Labcorp
Classification: Uncertain significance. Last evaluated: 2022-01-15. Review status: criteria provided, single submitter. Criteria: Invitae Variant Classification Sherloc (09022015). Collection method: clinical testing. Allele origin: germline.
Comment: This sequence change replaces asparagine, which is neutral and polar, with lysine, which is basic and polar, at codon 1119 of the ELP1 protein (p.Asn1119Lys). This variant is not present in population databases (gnomAD no frequency). This variant has not been reported in the literature in individuals affected with ELP1-related conditions. Algorithms developed to predict the effect of missense changes on protein structure and function (SIFT, PolyPhen-2, Align-GVGD) all suggest that this variant is likely to be tolerated. Algorithms developed to predict the effect of sequence changes on RNA splicing suggest that this variant may create or strengthen a splice site. In summary, the available evidence is currently insufficient to determine the role of this variant in disease. Therefore, it has been classified as a Variant of Uncertain Significance.